The following is an entry in ClinVar:

NM_004006.3(DMD):c.3277-1G>C

Gene: DMD (dystrophin; minus strand). Cytogenetic location: Xp21.1.
Variant type: single nucleotide variant.
Coding change: c.3277-1G>C on transcript NM_004006.3 (MANE Select); the canonical splice acceptor site of the intron before coding-DNA position 3277, G replaced by C.
Molecular consequence: splice acceptor variant.
Genome position (GRCh38, 1-based): chrX:32,463,595, C>G on the plus strand (G>C on the coding strand, the complement: DMD is on the minus strand). VCF-style: chrX-32463595-C-G. GRCh37 (hg19) VCF-style: chrX-32481712-C-G.
Other names: c.3253-1G>C (NM_000109.4); c.3265-1G>C (NM_004009.3); c.2908-1G>C (NM_004010.3).
Identifiers: ClinVar variation 2737164 (VCV002737164.3), dbSNP rs2148419974, ClinGen allele CA412664636.

ClinVar aggregate classification (germline): Pathogenic (1 of 4 stars; one submission).

Conditions:
Duchenne muscular dystrophy (DMD). Also called: MUSCULAR DYSTROPHY, PSEUDOHYPERTROPHIC PROGRESSIVE, DUCHENNE TYPE; Duchenne Muscular Dystrophy (DMD). Identifiers: Orphanet 98896, MedGen C0013264, MONDO:0010679, OMIM 310200.

Submission:

Labcorp Genetics (formerly Invitae), Labcorp
Classification: Pathogenic for Duchenne muscular dystrophy. Last evaluated: 2023-05-02. Review status: criteria provided, single submitter. Criteria: Invitae Variant Classification Sherloc (09022015). Collection method: clinical testing. Allele origin: germline.
Comment: For these reasons, this variant has been classified as Pathogenic. Algorithms developed to predict the effect of sequence changes on RNA splicing suggest that this variant may disrupt the consensus splice site. Disruption of this splice site has been observed in individuals with DMD-related conditions (PMID: 27122458, 32194622). This variant is not present in population databases (gnomAD no frequency). This sequence change affects an acceptor splice site in intron 24 of the DMD gene. It is expected to disrupt RNA splicing. Variants that disrupt the donor or acceptor splice site typically lead to a loss of protein function (PMID: 16199547), and loss-of-function variants in DMD are known to be pathogenic (PMID: 16770791, 25007885).

Literature cited by the submitters: PubMed 27122458; PubMed 32194622; PubMed 16199547; PubMed 16770791; PubMed 25007885.